The following is an entry in ClinVar:

ClinVar aggregate classification (germline): Uncertain significance. Review status: criteria provided, multiple submitters, no conflicts (2 of 4 stars). 3 submissions from 3 submitters: Uncertain significance (3). Last evaluated 2024-12-09.

Conditions:
Familial cancer of breast. Also called: Hereditary breast cancer; BREAST CANCER, FAMILIAL; hereditary breast carcinoma. Identifiers: Orphanet 227535, MedGen C0346153, MONDO:0016419, OMIM 114480. Disease mechanism: loss of function.
Fanconi anemia complementation group J. Also called: BRIP1-Related Fanconi Anemia. Identifiers: Orphanet 84, MedGen C1836860, MONDO:0012187, OMIM 609054.
Hereditary cancer-predisposing syndrome. Also called: Hereditary neoplastic syndrome; Tumor predisposition; Neoplastic Syndromes, Hereditary; Hereditary Cancer Syndrome. Identifiers: Orphanet 140162, MedGen C0027672, MeSH D009386, MONDO:0015356.

Submissions (3):

Ambry Genetics
Classification: Uncertain significance for Hereditary cancer-predisposing syndrome. Last evaluated: 2024-12-09. Review status: criteria provided, single submitter. Criteria: Ambry Variant Classification Scheme 2023. Collection method: clinical testing. Allele origin: germline.
Comment: The p.I246L variant (also known as c.736A>C), located in coding exon 6 of the BRIP1 gene, results from an A to C substitution at nucleotide position 736. The isoleucine at codon 246 is replaced by leucine, an amino acid with highly similar properties. This amino acid position is highly conserved in available vertebrate species. In addition, the in silico prediction for this alteration is inconclusive. Based on the available evidence, the clinical significance of this variant remains unclear.

Labcorp Genetics (formerly Invitae), Labcorp
Classification: Uncertain significance for Familial cancer of breast; Fanconi anemia complementation group J. Last evaluated: 2024-07-23. Review status: criteria provided, single submitter. Criteria: Invitae Variant Classification Sherloc (09022015). Collection method: clinical testing. Allele origin: germline.
Comment: This sequence change replaces isoleucine, which is neutral and non-polar, with leucine, which is neutral and non-polar, at codon 246 of the BRIP1 protein (p.Ile246Leu). This variant is not present in population databases (gnomAD no frequency). This variant has not been reported in the literature in individuals affected with BRIP1-related conditions. ClinVar contains an entry for this variant (Variation ID: 959089). Advanced modeling of protein sequence and biophysical properties (such as structural, functional, and spatial information, amino acid conservation, physicochemical variation, residue mobility, and thermodynamic stability) performed at Invitae indicates that this missense variant is expected to disrupt BRIP1 protein function with a positive predictive value of 80%. In summary, the available evidence is currently insufficient to determine the role of this variant in disease. Therefore, it has been classified as a Variant of Uncertain Significance.

Color Diagnostics, LLC DBA Color Health
Classification: Uncertain significance for Hereditary cancer-predisposing syndrome. Last evaluated: 2024-03-06. Review status: criteria provided, single submitter. Criteria: ACMG Guidelines, 2015. Collection method: clinical testing. Allele origin: germline.
Comment: This missense variant replaces isoleucine with leucine at codon 246 of the BRIP1 protein. Computational prediction suggests that this variant may not impact protein structure and function (internally defined REVEL score threshold <= 0.5, PMID: 27666373). To our knowledge, functional studies have not been reported for this variant. This variant has not been reported in individuals affected with hereditary cancer in the literature. This variant has not been identified in the general population by the Genome Aggregation Database (gnomAD). The available evidence is insufficient to determine the role of this variant in disease conclusively. Therefore, this variant is classified as a Variant of Uncertain Significance.

NM_032043.3(BRIP1):c.736A>C (p.Ile246Leu)

Gene: BRIP1 (BRCA1 interacting DNA helicase 1; minus strand). Cytogenetic location: 17q23.2.
Variant type: single nucleotide variant.
Coding change: c.736A>C on transcript NM_032043.3 (MANE Select); coding-DNA position 736, A replaced by C.
Protein change: p.Ile246Leu; replaces isoleucine 246 with leucine.
Molecular consequence: missense variant.
Genome position (GRCh38, 1-based): chr17:61,808,649, T>G on the plus strand (A>C on the coding strand, the complement: BRIP1 is on the minus strand). VCF-style: chr17-61808649-T-G. GRCh37 (hg19) VCF-style: chr17-59886010-T-G.
Other names: short protein forms I246L.
Identifiers: ClinVar variation 959089 (VCV000959089.15), dbSNP rs376893571, ClinGen allele CA400485021.